The following is an entry in ClinVar:

ClinVar aggregate classification (germline): Uncertain significance (1 of 4 stars; one submission).

Conditions:
Cohen syndrome (COH1). Also called: PEPPER SYNDROME; Cutis verticis gyrata, retinitis pigmentosa, and sensorineural deafness. Identifiers: Orphanet 193, MedGen C0265223, MONDO:0008999, OMIM 216550.

Allele frequency attached by ClinVar (database versions not stated): gnomAD exomes below 0.00001; ExAC 0.00001.
gnomAD v4.1: 1 of 1,613,974 alleles (0.000062%); highest among the groups gnomAD compares: Admixed American, 0.0017%; no homozygotes.

Submission:

Labcorp Genetics (formerly Invitae), Labcorp
Classification: Uncertain significance for Cohen syndrome. Last evaluated: 2023-08-10. Review status: criteria provided, single submitter. Criteria: Invitae Variant Classification Sherloc (09022015). Collection method: clinical testing. Allele origin: germline.
Comment: In summary, the available evidence is currently insufficient to determine the role of this variant in disease. Therefore, it has been classified as a Variant of Uncertain Significance. Advanced modeling of protein sequence and biophysical properties (such as structural, functional, and spatial information, amino acid conservation, physicochemical variation, residue mobility, and thermodynamic stability) performed at Invitae indicates that this missense variant is not expected to disrupt VPS13B protein function. ClinVar contains an entry for this variant (Variation ID: 1993907). This sequence change replaces alanine, which is neutral and non-polar, with threonine, which is neutral and polar, at codon 2578 of the VPS13B protein (p.Ala2578Thr). This variant is present in population databases (rs768827248, gnomAD 0.003%). This variant has not been reported in the literature in individuals affected with VPS13B-related conditions.

NM_152564.5(VPS13B):c.7657G>A (p.Ala2553Thr)

Gene: VPS13B (vacuolar protein sorting 13 homolog B; plus strand). Cytogenetic location: 8q22.2.
Variant type: single nucleotide variant.
Coding change: c.7657G>A on transcript NM_152564.5 (MANE Select); coding-DNA position 7657, G replaced by A.
Protein change: p.Ala2553Thr; replaces alanine 2553 with threonine.
Molecular consequence: missense variant.
Genome position (GRCh38, 1-based): chr8:99,778,909, G>A. VCF-style: chr8-99778909-G-A. GRCh37 (hg19) VCF-style: chr8-100791137-G-A.
Other names: c.7732G>A, p.Ala2578Thr (NM_017890.5); short protein forms A2553T, A2578T.
Identifiers: ClinVar variation 1993907 (VCV001993907.4), dbSNP rs768827248, ClinGen allele CA4824261.